The following is an entry in ClinVar:

NM_031889.3(ENAM):c.1926C>T (p.Thr642=)

Gene: ENAM (enamelin; plus strand). Cytogenetic location: 4q13.3.
Variant type: single nucleotide variant.
Coding change: c.1926C>T on transcript NM_031889.3 (MANE Select); coding-DNA position 1926, C replaced by T.
Protein change: p.Thr642=; no amino-acid change (threonine 642 retained).
Molecular consequence: synonymous variant.
Genome position (GRCh38, 1-based): chr4:70,643,352, C>T. VCF-style: chr4-70643352-C-T. GRCh37 (hg19) VCF-style: chr4-71509069-C-T.
Other names: c.1272C>T, p.Thr424= (NM_001368133.1).
Identifiers: ClinVar variation 775986 (VCV000775986.10), dbSNP rs6813313, ClinGen allele CA2952191.

ClinVar aggregate classification (germline): Benign. Review status: criteria provided, multiple submitters, no conflicts (2 of 4 stars). 4 submissions from 4 submitters: Benign (3). 1 of the submissions does not count toward it. Last evaluated 2018-07-16.

Conditions:
Amelogenesis imperfecta (AI). Also called: Congenital enamel hypoplasia. Identifiers: Orphanet 88661, MedGen C0002452, MONDO:0019507, HP:0000705.
ENAM-related disorder. Also called: ENAM-related condition.

Allele frequency attached by ClinVar (database versions not stated): gnomAD exomes 0.00155 and 0.00390; ExAC 0.00473; gnomAD 0.01427 and 0.01562; 1000 Genomes Project 0.01498; 1000 Genomes Project 30x 0.01624; TOPMed 0.01707; ESP Exome Variant Server 0.01730.
gnomAD v4.1: 4,523 of 1,613,910 alleles (0.28%); highest among the groups gnomAD compares: African/African-American, 5.1%; 113 homozygotes.

Submissions (4):

Labcorp Genetics (formerly Invitae), Labcorp
Classification: Benign. Last evaluated: 2018-07-16. Review status: criteria provided, single submitter. Criteria: Invitae Variant Classification Sherloc (09022015). Collection method: clinical testing. Allele origin: germline.

Illumina Laboratory Services, Illumina
Classification: Benign for Amelogenesis imperfecta. Last evaluated: 2018-01-13. Review status: criteria provided, single submitter. Criteria: ICSL Variant Classification Criteria 13 December 2019. Collection method: clinical testing. Allele origin: germline.
Comment: This variant was observed in the ICSL laboratory as part of a predisposition screen in an ostensibly healthy population. It had not been previously curated by ICSL or reported in the Human Gene Mutation Database (HGMD: prior to June 1st, 2018), and was therefore a candidate for classification through an automated scoring system. Utilizing variant allele frequency, disease prevalence and penetrance estimates, and inheritance mode, an automated score was calculated to assess if this variant is too frequent to cause the disease. Based on the score and internal cut-off values, a variant classified as benign is not then subjected to further curation. The score for this variant resulted in a classification of benign for this disease.

Breakthrough Genomics
Classification: Benign. Review status: criteria provided, single submitter. Criteria: ACMG Guidelines, 2015. Collection method: not provided. Allele origin: germline. Inheritance: Autosomal recessive inheritance. Affected: yes.

PreventionGenetics, part of Exact Sciences
Classification: Benign for ENAM-related condition. Last evaluated: 2019-05-07. Review status: no assertion criteria provided. Collection method: clinical testing. Allele origin: germline. Not counted in ClinVar's aggregate classification.
Comment: This variant is classified as benign based on ACMG/AMP sequence variant interpretation guidelines (Richards et al. 2015 PMID: 25741868, with internal and published modifications).